The following is an entry in ClinVar:

NM_003742.4(ABCB11):c.270T>C (p.Phe90=)

Gene: ABCB11 (ATP binding cassette subfamily B member 11; minus strand). Cytogenetic location: 2q31.1.
Variant type: single nucleotide variant.
Coding change: c.270T>C on transcript NM_003742.4 (MANE Select); coding-DNA position 270, T replaced by C.
Protein change: p.Phe90=; no amino-acid change (phenylalanine 90 retained).
Molecular consequence: synonymous variant.
Genome position (GRCh38, 1-based): chr2:169,013,391, A>G on the plus strand (T>C on the coding strand, the complement: ABCB11 is on the minus strand). VCF-style: chr2-169013391-A-G. GRCh37 (hg19) VCF-style: chr2-169869901-A-G.
Other names: p.Phe90=; c.270T>C, p.Phe90= (LRG_1199t1).
Identifiers: ClinVar variation 259151 (VCV000259151.23), dbSNP rs4148777, ClinGen allele CA1951931.

ClinVar aggregate classification (germline): Benign. Review status: criteria provided, multiple submitters, no conflicts (2 of 4 stars). 12 submissions from 11 submitters: Benign (9). 3 of the submissions do not count toward it. Last evaluated 2026-04-14.

Conditions:
Familial intrahepatic cholestasis. Identifiers: Orphanet 284385, MedGen CN296401, MONDO:0017290.
Benign recurrent intrahepatic cholestasis type 2 (BRIC2). Also called: Recurrent familial intrahepatic cholestasis 2. Identifiers: Orphanet 65682, Orphanet 99961, MedGen C2608083, MONDO:0011559, OMIM 605479.
Progressive familial intrahepatic cholestasis type 2. Identifiers: Orphanet 79304, MedGen C3489789, MONDO:0011156, OMIM 601847.

Allele frequency attached by ClinVar (database versions not stated): gnomAD exomes 0.03957 and 0.04500; ExAC 0.04385; ESP Exome Variant Server 0.04567; 1000 Genomes Project 30x 0.04591; 1000 Genomes Project 0.04613; TOPMed 0.04672; gnomAD 0.05073 and 0.05096.
gnomAD v4.1: 65,848 of 1,613,764 alleles (4.1%); highest among the groups gnomAD compares: African/African-American, 6.7%; 1,612 homozygotes.

Submissions (12):

Genomenon, Inc
Classification: Benign for Familial intrahepatic cholestasis. Last evaluated: 2026-04-14. Review status: criteria provided, single submitter. Criteria: Genomenon Sequence Variant Interpretation Standards - Updated. Collection method: curation. Allele origin: germline. Affected: no.
Comment: ABCB11 c.270T>C is a synonymous variant that retains Phenylalanine at residue 90. This variant is present at high allele frequency in population databases. In conclusion, we classify ABCB11 p.Phe90= (c.270T>C) as a benign variant.

Labcorp Genetics (formerly Invitae), Labcorp
Classification: Benign. Last evaluated: 2026-02-04. Review status: criteria provided, single submitter. Criteria: Invitae Variant Classification Sherloc (09022015). Collection method: clinical testing. Allele origin: germline.

Mayo Clinic Laboratories, Mayo Clinic
Classification: Benign. Last evaluated: 2021-10-14. Review status: criteria provided, single submitter. Criteria: ACMG Guidelines, 2015. Collection method: clinical testing. Allele origin: germline. Observed: 41 variant alleles.

Genome-Nilou Lab
Classification: Benign for Benign recurrent intrahepatic cholestasis type 2. Last evaluated: 2021-07-10. Review status: criteria provided, single submitter. Criteria: ACMG Guidelines, 2015. Collection method: clinical testing. Allele origin: germline. Affected: no.

Genome-Nilou Lab
Classification: Benign for Progressive familial intrahepatic cholestasis type 2. Last evaluated: 2021-07-10. Review status: criteria provided, single submitter. Criteria: ACMG Guidelines, 2015. Collection method: clinical testing. Allele origin: germline. Affected: no.

Illumina Laboratory Services, Illumina
Classification: Benign for Progressive familial intrahepatic cholestasis type 2. Last evaluated: 2018-01-13. Review status: criteria provided, single submitter. Criteria: ICSL Variant Classification Criteria 13 December 2019. Collection method: clinical testing. Allele origin: germline.
Comment: This variant was observed in the ICSL laboratory as part of a predisposition screen in an ostensibly healthy population. It had not been previously curated by ICSL or reported in the Human Gene Mutation Database (HGMD: prior to June 1st, 2018), and was therefore a candidate for classification through an automated scoring system. Utilizing variant allele frequency, disease prevalence and penetrance estimates, and inheritance mode, an automated score was calculated to assess if this variant is too frequent to cause the disease. Based on the score and internal cut-off values, a variant classified as benign is not then subjected to further curation. The score for this variant resulted in a classification of benign for this disease.

GeneDx
Classification: Benign. Last evaluated: 2016-01-27. Review status: criteria provided, single submitter. Criteria: GeneDx Variant Classification (06012015). Collection method: clinical testing. Allele origin: germline. Affected: yes.
Comment: This variant is considered likely benign or benign based on one or more of the following criteria: it is a conservative change, it occurs at a poorly conserved position in the protein, it is predicted to be benign by multiple in silico algorithms, and/or has population frequency not consistent with disease.

Breakthrough Genomics
Classification: Benign. Review status: criteria provided, single submitter. Criteria: ACMG Guidelines, 2015. Collection method: not provided. Allele origin: germline. Inheritance: Autosomal recessive inheritance. Affected: yes.

PreventionGenetics, part of Exact Sciences
Classification: Benign. Review status: criteria provided, single submitter. Criteria: ACMG Guidelines, 2015. Collection method: clinical testing. Allele origin: germline.

Natera, Inc.
Classification: Benign for Progressive familial intrahepatic cholestasis type 2. Last evaluated: 2020-09-16. Review status: no assertion criteria provided. Collection method: clinical testing. Allele origin: germline. Not counted in ClinVar's aggregate classification.

Genome Diagnostics Laboratory, Amsterdam University Medical Center
Classification: Benign. Review status: no assertion criteria provided. Collection method: clinical testing. Allele origin: germline. Affected: yes. Study: VKGL Data-share Consensus. Not counted in ClinVar's aggregate classification.

Genome Diagnostics Laboratory, University Medical Center Utrecht
Classification: Benign. Review status: no assertion criteria provided. Collection method: clinical testing. Allele origin: germline. Affected: yes. Study: VKGL Data-share Consensus. Not counted in ClinVar's aggregate classification.